The following is an entry in ClinVar:

NM_003238.6(TGFB2):c.1175A>G (p.Tyr392Cys)

Gene: TGFB2 (transforming growth factor beta 2; plus strand). Cytogenetic location: 1q41.
Variant type: single nucleotide variant.
Coding change: c.1175A>G on transcript NM_003238.6 (MANE Select); coding-DNA position 1175, A replaced by G.
Protein change: p.Tyr392Cys; replaces tyrosine 392 with cysteine.
Molecular consequence: missense variant. On other transcripts: non-coding transcript variant (2).
Genome position (GRCh38, 1-based): chr1:218,441,292, A>G. VCF-style: chr1-218441292-A-G. GRCh37 (hg19) VCF-style: chr1-218614634-A-G.
Other names: c.1259A>G, p.Tyr420Cys (NM_001135599.4); short protein forms Y392C, Y420C.
Identifiers: ClinVar variation 4865638 (VCV004865638.1).

ClinVar aggregate classification (germline): Uncertain significance (1 of 4 stars; one submission).

Conditions:
Familial thoracic aortic aneurysm and aortic dissection (TAAD). Also called: Thoracic aortic aneurysms and dissections. Identifiers: Orphanet 91387, MedGen C4707243, MONDO:0019625.

gnomAD v4.1: 2 of 1,613,756 alleles (0.00012%); highest among the groups gnomAD compares: Admixed American, 0.0017%; no homozygotes.

Submission:

Ambry Genetics
Classification: Uncertain significance for Familial thoracic aortic aneurysm and aortic dissection. Last evaluated: 2026-03-21. Review status: criteria provided, single submitter. Criteria: Ambry Variant Classification Scheme 2023. Collection method: clinical testing. Allele origin: germline.
Comment: The p.Y392C variant (also known as c.1175A>G), located in coding exon 7 of the TGFB2 gene, results from an A to G substitution at nucleotide position 1175. The tyrosine at codon 392 is replaced by cysteine, an amino acid with highly dissimilar properties. This amino acid position is conserved. In addition, this alteration is predicted to be deleterious by in silico analysis. Based on the available evidence, the clinical significance of this variant remains unclear.